The following is an entry in ClinVar:

ClinVar aggregate classification (germline): Pathogenic (1 of 4 stars; one submission).

Conditions:
Inborn genetic diseases. Identifiers: MedGen C0950123, MeSH D030342.

Submission:

Ambry Genetics
Classification: Pathogenic for Inborn genetic diseases. Last evaluated: 2017-09-30. Review status: criteria provided, single submitter. Criteria: Ambry Variant Classification Scheme 2023. Collection method: clinical testing. Allele origin: germline.
Comment: The c.1266delT pathogenic mutation, located in coding exon 9 of the GRIA3 gene, results from a deletion of one nucleotide at nucleotide position 1266, causing a translational frameshift with a predicted alternate stop codon (p.R423Gfs*3). This alteration is expected to result in loss of function by premature protein truncation or nonsense-mediated mRNA decay. As such, this alteration is interpreted as a disease-causing mutation.

NM_007325.5(GRIA3):c.1266del (p.Arg423fs)

Gene: GRIA3 (glutamate ionotropic receptor AMPA type subunit 3; plus strand). Cytogenetic location: Xq25.
Variant type: Deletion.
Coding change: c.1266del on transcript NM_007325.5 (MANE Select); coding-DNA position 1266, one base deleted (T; older notation c.1266delT).
Protein change: p.Arg423fs; shifts the reading frame from arginine 423.
Molecular consequence: frameshift variant.
Genome position (GRCh38, 1-based): chrX:123,403,492, T deleted. VCF-style (leftmost placement, unchanged base first): chrX-123403491-AT-A. GRCh37 (hg19) VCF-style: chrX-122537342-AT-A.
Other names: c.1266del, p.Arg423fs (NM_000828.5); short protein forms R423fs.
Identifiers: ClinVar variation 1764249 (VCV001764249.2), dbSNP rs2521169015, ClinGen allele CA2580100288.
Genomic context (GRCh38, chrX:123,403,491, plus strand): 5'-ATGAAAGGTTTGTGCCTTTCTCAGATCAGCAAATCAGCAATGACAGTGCATCCTCAGAGA[AT>A]CGGACCATAGTAGTGACTACCATTCTGGTAAGTGTGAACAGAAGGTAGGTGGGCTTTCTG-3'